The following is an entry in ClinVar:

NM_000178.4(GSS):c.1310dup (p.Thr438fs)

Gene: GSS (glutathione synthetase; minus strand). Cytogenetic location: 20q11.22.
Variant type: Duplication.
Coding change: c.1310dup on transcript NM_000178.4 (MANE Select); coding-DNA position 1310, one base duplicated (A; older notation c.1310dupA).
Protein change: p.Thr438fs; shifts the reading frame from threonine 438.
Molecular consequence: frameshift variant.
Genome position (GRCh38, 1-based): chr20:34,928,943, T duplicated on the plus strand (A on the coding strand, the reverse complement: GSS is on the minus strand); the first of 4 consecutive T bases (chr20:34,928,943-34,928,946); duplicating any one gives the same sequence. VCF-style (leftmost placement, unchanged base first): chr20-34928942-C-CT. GRCh37 (hg19) VCF-style: chr20-33516745-C-CT.
Other names: p.Thr438Aspfs*57; c.1310dup, p.Thr438fs (NM_001322494.1, NM_001322495.1); short protein forms T438fs.
Identifiers: ClinVar variation 2683539 (VCV002683539.1), dbSNP rs2081375033, ClinGen allele CA2697547355.
Genomic context (GRCh38, chr20:34,928,942, plus strand): 5'-TGCATGCTCGATGGCTTTGGTTCGAAGTAGATGCCCCACGTGCTTGTTCATCACGAGTGT[C>CT]TTTTCCTGCCTATAGAAATGGAGGCAGGGGACACACATCACCTGGACTCAGCCCCAAACC-3'

ClinVar aggregate classification (germline): Uncertain significance (1 of 4 stars; one submission).

Submission:

Mayo Clinic Laboratories, Mayo Clinic
Classification: Uncertain significance. Last evaluated: 2023-05-23. Review status: criteria provided, single submitter. Criteria: ACMG Guidelines, 2015. Collection method: clinical testing. Allele origin: germline. Observed: 2 variant alleles.
Comment: PM2, PVS1_moderate